The following is an entry in ClinVar:

ClinVar aggregate classification (germline): Uncertain significance (1 of 4 stars; one submission).

Conditions:
Methylcobalamin deficiency type cblG (HMAG). Also called: HOMOCYSTINURIA-MEGALOBLASTIC ANEMIA, cblG COMPLEMENTATION TYPE; HOMOCYSTINURIA-MEGALOBLASTIC ANEMIA DUE TO DEFECT IN COBALAMIN METABOLISM, cblG COMPLEMENTATION TYPE; HOMOCYSTINURIA-MEGALOBLASTIC ANEMIA, cblG TYPE; Functional methionine synthase deficiency type cblG. Identifiers: Orphanet 2170, Orphanet 622, MedGen C1855128, MONDO:0009609, OMIM 250940.

Allele frequency attached by ClinVar (database versions not stated): gnomAD 0.00001; gnomAD exomes 0.00001; TOPMed 0.00001.
gnomAD v4.1: 8 of 1,612,776 alleles (0.0005%); highest among the groups gnomAD compares: Non-Finnish European, 0.00068%; no homozygotes.

Submission:

Labcorp Genetics (formerly Invitae), Labcorp
Classification: Uncertain significance for Methylcobalamin deficiency type cblG. Last evaluated: 2018-11-30. Review status: criteria provided, single submitter. Criteria: Invitae Variant Classification Sherloc (09022015). Collection method: clinical testing. Allele origin: germline.
Comment: This sequence change affects codon 358 of the MTR mRNA. It is a 'silent' change, meaning that it does not change the encoded amino acid sequence of the MTR protein. This variant is not present in population databases (ExAC no frequency). This variant has not been reported in the literature in individuals with MTR-related conditions. Algorithms developed to predict the effect of sequence changes on RNA splicing suggest that this variant is not likely to affect RNA splicing, but this prediction has not been confirmed by published transcriptional studies. In summary, the available evidence is currently insufficient to determine the role of this variant in disease. Therefore, it has been classified as a Variant of Uncertain Significance.

NM_000254.3(MTR):c.1074T>C (p.Ser358=)

Gene: MTR (5-methyltetrahydrofolate-homocysteine methyltransferase; plus strand). Cytogenetic location: 1q43.
Variant type: single nucleotide variant.
Coding change: c.1074T>C on transcript NM_000254.3 (MANE Select); coding-DNA position 1074, T replaced by C.
Protein change: p.Ser358=; no amino-acid change (serine 358 retained).
Molecular consequence: synonymous variant. On other transcripts: 5 prime UTR variant (1).
Genome position (GRCh38, 1-based): chr1:236,829,267, T>C. VCF-style: chr1-236829267-T-C. GRCh37 (hg19) VCF-style: chr1-236992567-T-C.
Other names: c.1074T>C, p.Ser358= (NM_001291939.1); c.-35T>C (NM_001291940.2).
Identifiers: ClinVar variation 642565 (VCV000642565.8), dbSNP rs1430063160, ClinGen allele CA423816858.